The following is an entry in ClinVar:

NM_000051.4(ATM):c.5119G>A (p.Glu1707Lys)

Gene: ATM (ATM serine/threonine kinase; plus strand). Cytogenetic location: 11q22.3.
Variant type: single nucleotide variant.
Coding change: c.5119G>A on transcript NM_000051.4 (MANE Select); coding-DNA position 5119, G replaced by A.
Protein change: p.Glu1707Lys; replaces glutamic acid 1707 with lysine.
Molecular consequence: missense variant.
Genome position (GRCh38, 1-based): chr11:108,299,827, G>A. VCF-style: chr11-108299827-G-A. GRCh37 (hg19) VCF-style: chr11-108170554-G-A.
Other names: c.5119G>A, p.Glu1707Lys (NM_001351834.2); short protein forms E1707K.
Identifiers: ClinVar variation 579474 (VCV000579474.9), dbSNP rs1565474056, ClinGen allele CA382540843.
Genomic context (GRCh38, chr11:108,299,827, plus strand): 5'-GCTATACAACATAGTAAAGATGCATCTTATACCAAGGCCCTTAAGTTATTTGAAGATAAA[G>A]AACTTCAGTGGACCTTCATAATGCTGACCTACCTGAATAACACACTGGTAGAAGATTGGT-3'
Protein context (NP_000042.3, residues 1697-1717): TKALKLFEDK[Glu1707Lys]LQWTFIMLTY

ClinVar aggregate classification (germline): Uncertain significance (1 of 4 stars; one submission).

Conditions:
Ataxia-telangiectasia syndrome (AT). Also called: Cerebello-oculocutaneous telangiectasia; Immunodeficiency with ataxia telangiectasia; Ataxia telangiectasia (A-T); Ataxia-telangiectasia, complementation group E; LOUIS-BAR SYNDROME; Ataxia-telangiectasia. Identifiers: Orphanet 100, MedGen C0004135, MONDO:0008840, OMIM 208900.

Submission:

Labcorp Genetics (formerly Invitae), Labcorp
Classification: Uncertain significance for Ataxia-telangiectasia syndrome. Last evaluated: 2019-04-24. Review status: criteria provided, single submitter. Criteria: Invitae Variant Classification Sherloc (09022015). Collection method: clinical testing. Allele origin: germline.
Comment: In summary, the available evidence is currently insufficient to determine the role of this variant in disease. Therefore, it has been classified as a Variant of Uncertain Significance. Algorithms developed to predict the effect of missense changes on protein structure and function (SIFT, PolyPhen-2, Align-GVGD) all suggest that this variant is likely to be tolerated, but these predictions have not been confirmed by published functional studies and their clinical significance is uncertain. This variant has not been reported in the literature in individuals with ATM-related conditions. ClinVar contains an entry for this variant (Variation ID: 579474). This variant is not present in population databases (ExAC no frequency). This sequence change replaces glutamic acid with lysine at codon 1707 of the ATM protein (p.Glu1707Lys). The glutamic acid residue is weakly conserved and there is a small physicochemical difference between glutamic acid and lysine.